The following is an entry in ClinVar:

NM_005618.4(DLL1):c.766G>C (p.Glu256Gln)

Gene: DLL1 (delta like canonical Notch ligand 1; minus strand). Cytogenetic location: 6q27.
Variant type: single nucleotide variant.
Coding change: c.766G>C on transcript NM_005618.4 (MANE Select); coding-DNA position 766, G replaced by C.
Protein change: p.Glu256Gln; replaces glutamic acid 256 with glutamine.
Molecular consequence: missense variant.
Genome position (GRCh38, 1-based): chr6:170,285,665, C>G on the plus strand (G>C on the coding strand, the complement: DLL1 is on the minus strand). VCF-style: chr6-170285665-C-G. GRCh37 (hg19) VCF-style: chr6-170594753-C-G.
Other names: c.766G>C (NM_005618.3); short protein forms E256Q.
Identifiers: ClinVar variation 2185161 (VCV002185161.6), dbSNP rs1191762345, ClinGen allele CA366508802.
Genomic context (GRCh38, chr6:170,285,665, plus strand): 5'-AGTTGCACTGCCAGGGCTGCTGGCAGGTGCCATGGAGACAGCCTGGATAGCGGATACACT[C>G]GTCACAGTACCGGCCCTGCCAGCCCACTCTGCACCTTGGAGAAAAGCAGAAGACTCAGAT-3'
Protein context (NP_005609.3, residues 246-266): RVGWQGRYCD[Glu256Gln]CIRYPGCLHG

ClinVar aggregate classification (germline): Conflicting classifications of pathogenicity. Review status: criteria provided, conflicting classifications (1 of 4 stars). 2 submissions from 2 submitters: Uncertain significance (1); Likely benign (1). Last evaluated 2023-08-17.

Conditions:
Inborn genetic diseases. Identifiers: MedGen C0950123, MeSH D030342.

Allele frequency attached by ClinVar (database versions not stated): TOPMed below 0.00001; gnomAD 0.00001.

Submissions (2):

Labcorp Genetics (formerly Invitae), Labcorp
Classification: Uncertain significance. Last evaluated: 2023-08-17. Review status: criteria provided, single submitter. Criteria: Invitae Variant Classification Sherloc (09022015). Collection method: clinical testing. Allele origin: germline.
Comment: This variant has not been reported in the literature in individuals affected with DLL1-related conditions. This sequence change replaces glutamic acid, which is acidic and polar, with glutamine, which is neutral and polar, at codon 256 of the DLL1 protein (p.Glu256Gln). This variant is not present in population databases (gnomAD no frequency). ClinVar contains an entry for this variant (Variation ID: 2185161). Algorithms developed to predict the effect of missense changes on protein structure and function output the following: SIFT: "Not Available"; PolyPhen-2: "Benign"; Align-GVGD: "Not Available". The glutamine amino acid residue is found in multiple mammalian species, which suggests that this missense change does not adversely affect protein function. In summary, the available evidence is currently insufficient to determine the role of this variant in disease. Therefore, it has been classified as a Variant of Uncertain Significance.

Ambry Genetics
Classification: Likely benign for Inborn genetic diseases. Last evaluated: 2023-03-28. Review status: criteria provided, single submitter. Criteria: Ambry Variant Classification Scheme 2023. Collection method: clinical testing. Allele origin: germline.